The following is an entry in ClinVar:

NM_016107.5(ZFR):c.3211T>C (p.Tyr1071His)

Gene: ZFR (zinc finger RNA binding protein; minus strand). Cytogenetic location: 5p13.3.
Variant type: single nucleotide variant.
Coding change: c.3211T>C on transcript NM_016107.5 (MANE Select); coding-DNA position 3211, T replaced by C.
Protein change: p.Tyr1071His; replaces tyrosine 1071 with histidine.
Molecular consequence: missense variant. On other transcripts: non-coding transcript variant (1).
Genome position (GRCh38, 1-based): chr5:32,355,774, A>G on the plus strand (T>C on the coding strand, the complement: ZFR is on the minus strand). VCF-style: chr5-32355774-A-G. GRCh37 (hg19) VCF-style: chr5-32355880-A-G.
Other names: c.3211T>C (NM_016107.3); short protein forms Y1071H.
Identifiers: ClinVar variation 2037409 (VCV002037409.5), dbSNP rs146353911, ClinGen allele CA116805390.

ClinVar aggregate classification (germline): Uncertain significance. Review status: criteria provided, multiple submitters, no conflicts (2 of 4 stars). 2 submissions from 2 submitters: Uncertain significance (2). Last evaluated 2025-09-05.

Conditions:
Pure or complex autosomal recessive spastic paraplegia. Identifiers: Orphanet 320346, MedGen C5679887, MONDO:0017915.

Allele frequency attached by ClinVar (database versions not stated): gnomAD 0.00005; ESP Exome Variant Server 0.00008.
gnomAD v4.1: 18 of 1,585,334 alleles (0.0011%); highest among the groups gnomAD compares: African/African-American, 0.023%; no homozygotes.

Submissions (2):

Ambry Genetics
Classification: Uncertain significance. Last evaluated: 2025-09-05. Review status: criteria provided, single submitter. Criteria: Ambry Variant Classification Scheme 2023. Collection method: clinical testing. Allele origin: germline.

Labcorp Genetics (formerly Invitae), Labcorp
Classification: Uncertain significance for Pure or complex autosomal recessive spastic paraplegia. Last evaluated: 2024-09-23. Review status: criteria provided, single submitter. Criteria: Invitae Variant Classification Sherloc (09022015). Collection method: clinical testing. Allele origin: germline.
Comment: This sequence change replaces tyrosine, which is neutral and polar, with histidine, which is basic and polar, at codon 1071 of the ZFR protein (p.Tyr1071His). This variant is present in population databases (rs146353911, gnomAD 0.02%). This variant has not been reported in the literature in individuals affected with ZFR-related conditions. ClinVar contains an entry for this variant (Variation ID: 2037409). Experimental studies and prediction algorithms are not available or were not evaluated, and the functional significance of this variant is currently unknown. In summary, the available evidence is currently insufficient to determine the role of this variant in disease. Therefore, it has been classified as a Variant of Uncertain Significance.